The following is an entry in ClinVar:

ClinVar aggregate classification (germline): Uncertain significance (1 of 4 stars; one submission).

Conditions:
Inborn genetic diseases. Identifiers: MedGen C0950123, MeSH D030342.

gnomAD v4.1: 2 of 1,614,108 alleles (0.00012%); highest among the groups gnomAD compares: Non-Finnish European, 0.00017%; no homozygotes.

Submission:

Ambry Genetics
Classification: Uncertain significance for Inborn genetic diseases. Last evaluated: 2026-02-24. Review status: criteria provided, single submitter. Criteria: Ambry Variant Classification Scheme 2023. Collection method: clinical testing. Allele origin: germline.
Comment: The p.R1225T variant (also known as c.3674G>C), located in coding exon 17 of the MECOM gene, results from a G to C substitution at nucleotide position 3674. The arginine at codon 1225 is replaced by threonine, an amino acid with similar properties. This amino acid position is conserved. In addition, the in silico prediction for this alteration is inconclusive. Based on the available evidence, the clinical significance of this variant remains unclear.

NM_004991.4(MECOM):c.3674G>C (p.Arg1225Thr)

Gene: MECOM (MDS1 and EVI1 complex locus; minus strand). Cytogenetic location: 3q26.2.
Variant type: single nucleotide variant.
Coding change: c.3674G>C on transcript NM_004991.4 (MANE Select); coding-DNA position 3674, G replaced by C.
Protein change: p.Arg1225Thr; replaces arginine 1225 with threonine.
Molecular consequence: missense variant.
Genome position (GRCh38, 1-based): chr3:169,084,955, C>G on the plus strand (G>C on the coding strand, the complement: MECOM is on the minus strand). VCF-style: chr3-169084955-C-G. GRCh37 (hg19) VCF-style: chr3-168802743-C-G.
Other names: c.3305G>C, p.Arg1102Thr (NM_001105077.4); c.3110G>C, p.Arg1037Thr (NM_001105078.4, NM_001205194.2, NM_001366469.2 and 1 more transcripts); c.3086G>C, p.Arg1029Thr (NM_001163999.2, NM_001366470.2); c.3083G>C, p.Arg1028Thr (NM_001164000.2, NM_001366471.2, NM_001366472.2); c.3647G>C, p.Arg1216Thr (NM_001366466.2); c.3113G>C, p.Arg1038Thr (NM_001366467.2, NM_001366468.2); c.2675G>C, p.Arg892Thr (NM_001366473.2); c.2111G>C, p.Arg704Thr (NM_001366474.2); short protein forms R1216T, R1225T, R1028T, R892T, R1038T, R1029T, R1037T, R1102T.
Identifiers: ClinVar variation 4826697 (VCV004826697.1).